The following is an entry in ClinVar:

ClinVar aggregate classification (germline): Uncertain significance (1 of 4 stars; one submission).

gnomAD v4.1: 2 of 1,576,366 alleles (0.00013%); highest among the groups gnomAD compares: East Asian, 0.0023%; no homozygotes.

Submission:

GeneDx
Classification: Uncertain significance. Last evaluated: 2025-11-19. Review status: criteria provided, single submitter. Criteria: GeneDx Variant Classification Process June 2021. Collection method: clinical testing. Allele origin: germline.
Comment: Not observed at significant frequency in large population cohorts (gnomAD); In silico analysis suggests that this missense variant does not alter protein structure/function; Has not been previously published as pathogenic or benign to our knowledge

NM_014727.3(KMT2B):c.7654A>T (p.Thr2552Ser)

Gene: KMT2B (lysine methyltransferase 2B; plus strand). Cytogenetic location: 19q13.12.
Variant type: single nucleotide variant.
Coding change: c.7654A>T on transcript NM_014727.3 (MANE Select); coding-DNA position 7654, A replaced by T.
Protein change: p.Thr2552Ser; replaces threonine 2552 with serine.
Molecular consequence: missense variant.
Genome position (GRCh38, 1-based): chr19:35,737,739, A>T. VCF-style: chr19-35737739-A-T. GRCh37 (hg19) VCF-style: chr19-36228640-A-T.
Other names: short protein forms T2552S.
Identifiers: ClinVar variation 3365155 (VCV003365155.2).
Genomic context (GRCh38, chr19:35,737,739, plus strand): 5'-CGGGTGCTCCCTGAGGGGGCCACCTGTGATGAGGAAGAGGATGAGGTGCAGCTCAGGTCA[A>T]CCAGGTATGGAGTGTGAGCTGGGGGGCGGGTGGTGGTCTGGAAGGGTCTTAGAGAGTGAG-3'
Protein context (NP_055542.1, residues 2542-2562): EEEDEVQLRS[Thr2552Ser]RRATSLELPM